The following is an entry in ClinVar:

ClinVar aggregate classification (germline): Pathogenic. Review status: reviewed by expert panel (3 of 4 stars). 4 submissions from 4 submitters: Pathogenic (1). 3 of the submissions do not count toward it. Last evaluated 2026-06-23.

Conditions:
RPE65-related recessive retinopathy. Also called: Recessive RPE65 retinopathy. Identifiers: MedGen CN305526, MONDO:0100368.
Leber congenital amaurosis 2 (LCA2). Also called: AMAUROSIS CONGENITA OF LEBER II; Autosomal Recessive RPE65-Related Retinal Degeneration. Identifiers: Orphanet 65, MedGen C1859844, MONDO:0008765, OMIM 204100. Disease mechanism: loss of function.
Retinitis pigmentosa 20 (RP20). Identifiers: Orphanet 791, MedGen C3151086, MONDO:0013425, OMIM 613794.

Submissions (4):

ClinGen Leber Congenital Amaurosis/early Onset Retinal Dystrophy Variant Curation Expert Panel, ClinGen
Classification: Pathogenic for RPE65-related recessive retinopathy. Last evaluated: 2026-06-23. Review status: reviewed by expert panel. Criteria: ClinGen LCAeoRD ACMG Specifications RPE65 V1.0.0. Collection method: curation. Allele origin: germline. Inheritance: Autosomal recessive inheritance.
Comment: NM_000329.3(RPE65):c.1590del (p.Phe530LeufsTer?) is a frameshift variant that deletes a nucleotide at c.1590 which replaces p.Phe530 with leucine, causes a frameshift, and adds 40 amino acids to the end of the RPE65 protein. It occurs in the final exon and is not expected to lead to nonsense-mediated decay of the protein. It is predicted to disrupt critical function of the RPE65 protein (PVS1_Strong). This variant is absent from gnomAD v4.1.1 (PM2_Supporting). This variant has been reported in 1 proband with early-onset severe retinal dystrophy who was homozygous for the variant (0.5 points, PMID: 20683928, PMID: 19854499). This variant has also been reported in at least 2 probands with early-onset severe retinal dystrophy who were compound heterozygous with either the NM_000329.3(RPE65):c.370C>T (p.Arg124Ter) or NM_000329.3(RPE65):c.11+5G>A variant confirmed in trans (2 points, PMID: 20683928), which were previously classified pathogenic by the ClinGen LCA/eoRD VCEP (2.5 total points, PM3_Strong). At least one proband harboring this variant exhibits a phenotype including diagnosis of Leber congenital amaurosis (0.5 pts) with symptom onset before age 1 year (1 pt), night blindness (0.5 pts), searching for light (1 pt), absent electroretinogram responses from rods (0.5 pts) and cones (1 pt), small discrete peripheral white flecks (2 pts), total absence of autofluorescence (2 pts), cataract, poor visual acuity (1 pt), decreased peripheral vision/constricted field (1 pt), and nystagmus (1 pt), as well as patient participation in a gene therapy trial with reported positive results. Together these are highly specific for RPE65-related recessive retinopathy (11.5 points, PMID: 20683928, PP4_Moderate). In summary, this variant meets the criteria to be classified as Pathogenic for RPE65-related recessive retinopathy based on the ACMG/AMP criteria applied, as specified by the ClinGen LCA/eoRD VCEP: PVS1_Strong, PM2_Supporting, PM3_Strong, and PP4_Moderate. (VCEP specifications version 1.0.0; date of approval 09/21/2023).

Labcorp Genetics (formerly Invitae), Labcorp
Classification: Pathogenic for Leber congenital amaurosis 2; Retinitis pigmentosa 20. Last evaluated: 2023-08-28. Review status: criteria provided, single submitter. Criteria: Invitae Variant Classification Sherloc (09022015). Collection method: clinical testing. Allele origin: germline. Not counted in ClinVar's aggregate classification.
Comment: This sequence change results in a frameshift in the RPE65 gene (p.Phe530Leufs*40). While this is not anticipated to result in nonsense mediated decay, it is expected to disrupt the last 4 amino acid(s) of the RPE65 protein and extend the protein by 35 additional amino acid residues. This variant is not present in population databases (gnomAD no frequency). This frameshift has been observed in individual(s) with clinical features of RPE65-related conditions (PMID: 16505055, 19854499, 30268864). In at least one individual the data is consistent with being in trans (on the opposite chromosome) from a pathogenic variant. ClinVar contains an entry for this variant (Variation ID: 98850). For these reasons, this variant has been classified as Pathogenic.

Baylor Genetics
Classification: Pathogenic for Leber congenital amaurosis 2. Last evaluated: 2021-12-16. Review status: criteria provided, single submitter. Criteria: ACMG Guidelines, 2015. Collection method: clinical testing. Allele origin: unknown. Not counted in ClinVar's aggregate classification.

Retina International
No classification provided. Review status: no classification provided. Collection method: not provided. Allele origin: not provided. Not counted in ClinVar's aggregate classification.

Literature cited by the submitters: PubMed 16505055 (cited by Labcorp Genetics (formerly Invitae), Labcorp); PubMed 19854499 (cited by Labcorp Genetics (formerly Invitae), Labcorp); PubMed 30268864 (cited by Labcorp Genetics (formerly Invitae), Labcorp).

NM_000329.3(RPE65):c.1590del (p.Phe530fs)

Gene: RPE65 (retinoid isomerohydrolase RPE65; minus strand). Cytogenetic location: 1p31.3.
Variant type: Deletion.
Coding change: c.1590del on transcript NM_000329.3 (MANE Select); coding-DNA position 1590, one base deleted (C; older notation c.1590delC).
Protein change: p.Phe530fs; shifts the reading frame from phenylalanine 530.
Molecular consequence: frameshift variant.
Genome position (GRCh38, 1-based): chr1:68,429,788, G deleted on the plus strand (C on the coding strand, the reverse complement: RPE65 is on the minus strand). VCF-style (leftmost placement, unchanged base first): chr1-68429787-TG-T. GRCh37 (hg19) VCF-style: chr1-68895470-TG-T.
Other names: NM_000329.3(RPE65):c.1590del; p.Phe530fs; short protein forms F530fs.
Identifiers: ClinVar variation 98850 (VCV000098850.6), dbSNP rs281865292, ClinGen allele CA226522.